The following is an entry in ClinVar:

ClinVar aggregate classification (germline): Uncertain significance (1 of 4 stars; one submission).

Conditions:
Glycogen storage disease, type II (IOPD). Also called: Glucosidase acid-1,4-alpha deficiency; CARDIOMEGALIA GLYCOGENICA DIFFUSA; GLYCOGENOSIS, GENERALIZED, CARDIAC FORM; GSD II; Glycogen storage disease type 2; Acid maltase deficiency disease. Identifiers: Orphanet 365, MedGen C0017921, MONDO:0009290, OMIM 232300.

Allele frequency attached by ClinVar (database versions not stated): TOPMed below 0.00001; gnomAD 0.00001.

Submission:

Labcorp Genetics (formerly Invitae), Labcorp
Classification: Uncertain significance for Glycogen storage disease, type II. Last evaluated: 2024-09-09. Review status: criteria provided, single submitter. Criteria: Invitae Variant Classification Sherloc (09022015). Collection method: clinical testing. Allele origin: germline.
Comment: This sequence change replaces methionine, which is neutral and non-polar, with isoleucine, which is neutral and non-polar, at codon 268 of the GAA protein (p.Met268Ile). This variant is not present in population databases (gnomAD no frequency). This variant has not been reported in the literature in individuals affected with GAA-related conditions. ClinVar contains an entry for this variant (Variation ID: 1522821). Invitae Evidence Modeling of protein sequence and biophysical properties (such as structural, functional, and spatial information, amino acid conservation, physicochemical variation, residue mobility, and thermodynamic stability) indicates that this missense variant is not expected to disrupt GAA protein function with a negative predictive value of 95%. In summary, the available evidence is currently insufficient to determine the role of this variant in disease. Therefore, it has been classified as a Variant of Uncertain Significance.

NM_000152.5(GAA):c.804G>A (p.Met268Ile)

Gene: GAA (alpha glucosidase; plus strand). Cytogenetic location: 17q25.3.
Variant type: single nucleotide variant.
Coding change: c.804G>A on transcript NM_000152.5 (MANE Select); coding-DNA position 804, G replaced by A.
Protein change: p.Met268Ile; replaces methionine 268 with isoleucine.
Molecular consequence: missense variant.
Genome position (GRCh38, 1-based): chr17:80,107,668, G>A. VCF-style: chr17-80107668-G-A. GRCh37 (hg19) VCF-style: chr17-78081467-G-A.
Other names: c.804G>A, p.Met268Ile (NM_001079803.3, NM_001079804.3); short protein forms M268I.
Identifiers: ClinVar variation 1522821 (VCV001522821.5), dbSNP rs1185610552, ClinGen allele CA401363510.